The following is an entry in ClinVar:

ClinVar aggregate classification (germline): Uncertain significance (1 of 4 stars; one submission).

Conditions:
Desmin-related myofibrillar myopathy (MFM1). Also called: Desminopathy; Desmin related myopathy (former name); Desmin storage myopathy (former name); MYOFIBRILLAR MYOPATHY WITH ARRHYTHMOGENIC RIGHT VENTRICULAR CARDIOMYOPATHY; DESMIN-RELATED MYOPATHY WITH ARRHYTHMOGENIC RIGHT VENTRICULAR CARDIOMYOPATHY; Myofibrillar myopathy 1. Identifiers: Orphanet 363543, Orphanet 98909, MedGen C1832370, MONDO:0011076, OMIM 601419.

Submission:

Labcorp Genetics (formerly Invitae), Labcorp
Classification: Uncertain significance for Desmin-related myofibrillar myopathy. Last evaluated: 2025-04-30. Review status: criteria provided, single submitter. Criteria: Invitae Variant Classification Sherloc (09022015). Collection method: clinical testing. Allele origin: germline.
Comment: This sequence change replaces leucine, which is neutral and non-polar, with proline, which is neutral and non-polar, at codon 129 of the DES protein (p.Leu129Pro). This variant is not present in population databases (gnomAD no frequency). This variant has not been reported in the literature in individuals affected with DES-related conditions. Invitae Evidence Modeling of protein sequence and biophysical properties (such as structural, functional, and spatial information, amino acid conservation, physicochemical variation, residue mobility, and thermodynamic stability) indicates that this missense variant is expected to disrupt DES protein function with a positive predictive value of 95%. In summary, the available evidence is currently insufficient to determine the role of this variant in disease. Therefore, it has been classified as a Variant of Uncertain Significance.

NM_001927.4(DES):c.386T>C (p.Leu129Pro)

Gene: DES (desmin; plus strand). Cytogenetic location: 2q35.
Variant type: single nucleotide variant.
Coding change: c.386T>C on transcript NM_001927.4 (MANE Select); coding-DNA position 386, T replaced by C.
Protein change: p.Leu129Pro; replaces leucine 129 with proline.
Molecular consequence: missense variant.
Genome position (GRCh38, 1-based): chr2:219,418,848, T>C. VCF-style: chr2-219418848-T-C. GRCh37 (hg19) VCF-style: chr2-220283570-T-C.
Other names: c.386T>C, p.Leu129Pro (NM_001382708.1, NM_001382709.1, NM_001382710.1 and 3 more transcripts); short protein forms L129P.
Identifiers: ClinVar variation 4783732 (VCV004783732.1).